The following is an entry in ClinVar:

NM_198578.4(LRRK2):c.7372A>G (p.Met2458Val)

Gene: LRRK2 (leucine rich repeat kinase 2; plus strand). Cytogenetic location: 12q12.
Variant type: single nucleotide variant.
Coding change: c.7372A>G on transcript NM_198578.4 (MANE Select); coding-DNA position 7372, A replaced by G.
Protein change: p.Met2458Val; replaces methionine 2458 with valine.
Molecular consequence: missense variant.
Genome position (GRCh38, 1-based): chr12:40,365,032, A>G. VCF-style: chr12-40365032-A-G. GRCh37 (hg19) VCF-style: chr12-40758834-A-G.
Other names: short protein forms M2458V.
Identifiers: ClinVar variation 2453036 (VCV002453036.2), dbSNP rs1473496150, ClinGen allele CA384415340.

ClinVar aggregate classification (germline): Uncertain significance (1 of 4 stars; one submission).

Conditions:
Inborn genetic diseases. Identifiers: MedGen C0950123, MeSH D030342.

Allele frequency attached by ClinVar (database versions not stated): gnomAD exomes below 0.00001.
gnomAD v4.1: 3 of 1,612,340 alleles (0.00019%); highest among the groups gnomAD compares: Non-Finnish European, 0.000085%; no homozygotes.

Submission:

Ambry Genetics
Classification: Uncertain significance for Inborn genetic diseases. Last evaluated: 2022-12-03. Review status: criteria provided, single submitter. Criteria: Ambry Variant Classification Scheme 2023. Collection method: clinical testing. Allele origin: germline.
Comment: The p.M2458V variant (also known as c.7372A>G), located in coding exon 49 of the LRRK2 gene, results from an A to G substitution at nucleotide position 7372. The methionine at codon 2458 is replaced by valine, an amino acid with highly similar properties. This amino acid position is conserved. In addition, the in silico prediction for this alteration is inconclusive. Since supporting evidence is limited at this time, the clinical significance of this alteration remains unclear.